The following is an entry in ClinVar:

ClinVar aggregate classification (germline): Uncertain significance (1 of 4 stars; one submission).

Submission:

GeneDx
Classification: Uncertain significance. Last evaluated: 2022-09-27. Review status: criteria provided, single submitter. Criteria: GeneDx Variant Classification Process June 2021. Collection method: clinical testing. Allele origin: germline.
Comment: Not observed at significant frequency in large population cohorts (gnomAD); In silico analysis supports that this variant does not alter protein structure/function; Has not been previously published as pathogenic or benign to our knowledge

NM_006015.6(ARID1A):c.1026_1043dup (p.Ala349_Ser350insAlaAlaAlaAlaAlaAla)

Genes: ARID1A (AT-rich interaction domain 1A; plus strand), LOC129929837 (ATAC-STARR-seq lymphoblastoid silent region 489; plus strand). Cytogenetic location: 1p36.11.
Variant type: Duplication.
Coding change: c.1026_1043dup on transcript NM_006015.6 (MANE Select); coding-DNA positions 1026 to 1043, 18 bases duplicated (GGCAGCTGCGGCGGCGGC).
Protein change: p.Ala349_Ser350insAlaAlaAlaAlaAlaAla.
Molecular consequence: inframe insertion.
Genome position (GRCh38, 1-based): chr1:26,697,429-26,697,446, GGCAGCTGCGGCGGCGGC duplicated; duplicating any 18 consecutive bases within chr1:26,697,421-26,697,446 gives the same sequence; the c. name uses the placement nearest the transcript's 3' end. VCF-style (leftmost placement, unchanged base first): chr1-26697420-T-TGCGGCGGCGGCAGCTGCG. GRCh37 (hg19) VCF-style: chr1-27023911-T-TGCGGCGGCGGCAGCTGCG.
Other names: c.1026_1043dup, p.Ala349_Ser350insAlaAlaAlaAlaAlaAla (NM_139135.4).
Identifiers: ClinVar variation 1706127 (VCV001706127.3), dbSNP rs1553146186, ClinGen allele CA916135824.
Genomic context (GRCh38, chr1:26,697,420, plus strand): 5'-GCCCCAGGACGGGGGCGCCGGCAAGGGCCCGGCGGACATGGCCTCGCAGTGTTGGGGGGC[T>TGCGGCGGCGGCAGCTGCG]GCGGCGGCGGCAGCTGCGGCGGCGGCCGCCTCGGGAGGGGCCCAACAAAGGAGCCACCAC-3'